The following is an entry in ClinVar:

ClinVar aggregate classification (germline): Uncertain significance (1 of 4 stars; one submission).

Conditions:
Glaucoma 1, open angle, E. Identifiers: MedGen C1842026, MONDO:0007665.
Primary open angle glaucoma (POAG). Also called: OPTN-related open angle glaucoma. Identifiers: MedGen C0339573, MONDO:0100553, OMIM 137760.
Amyotrophic lateral sclerosis type 12 (ALS12). Also called: AMYOTROPHIC LATERAL SCLEROSIS 12 WITH OR WITHOUT FRONTOTEMPORAL DEMENTIA. Identifiers: Orphanet 803, MedGen C3150692, MONDO:0013264, OMIM 613435.

gnomAD v4.1: 1 of 1,613,990 alleles (0.000062%); highest among the groups gnomAD compares: South Asian, 0.0011%; no homozygotes.

Submission:

Labcorp Genetics (formerly Invitae), Labcorp
Classification: Uncertain significance for Primary open angle glaucoma; Glaucoma 1, open angle, E; Amyotrophic lateral sclerosis type 12. Last evaluated: 2025-01-15. Review status: criteria provided, single submitter. Criteria: Invitae Variant Classification Sherloc (09022015). Collection method: clinical testing. Allele origin: germline.
Comment: This sequence change replaces glutamic acid, which is acidic and polar, with lysine, which is basic and polar, at codon 312 of the OPTN protein (p.Glu312Lys). This variant is not present in population databases (gnomAD no frequency). This variant has not been reported in the literature in individuals affected with OPTN-related conditions. Invitae Evidence Modeling of protein sequence and biophysical properties (such as structural, functional, and spatial information, amino acid conservation, physicochemical variation, residue mobility, and thermodynamic stability) indicates that this missense variant is expected to disrupt OPTN protein function with a positive predictive value of 80%. In summary, the available evidence is currently insufficient to determine the role of this variant in disease. Therefore, it has been classified as a Variant of Uncertain Significance.

NM_001008212.2(OPTN):c.934G>A (p.Glu312Lys)

Gene: OPTN (optineurin; plus strand). Cytogenetic location: 10p13.
Variant type: single nucleotide variant.
Coding change: c.934G>A on transcript NM_001008212.2 (MANE Select); coding-DNA position 934, G replaced by A.
Protein change: p.Glu312Lys; replaces glutamic acid 312 with lysine.
Molecular consequence: missense variant.
Genome position (GRCh38, 1-based): chr10:13,124,046, G>A. VCF-style: chr10-13124046-G-A. GRCh37 (hg19) VCF-style: chr10-13166046-G-A.
Other names: c.934G>A, p.Glu312Lys (NM_001008211.1, NM_001008213.1, NM_021980.4); short protein forms E312K.
Identifiers: ClinVar variation 3751789 (VCV003751789.2).